The following is an entry in ClinVar:

ClinVar aggregate classification (germline): Likely benign. Review status: criteria provided, single submitter (1 of 4 stars). 2 submissions from 2 submitters: Likely benign (1). 1 of the submissions does not count toward it. Last evaluated 2026-05-01.

Conditions:
TBX2-related disorder. Also called: TBX2-related condition.

Submissions (2):

CeGaT Center for Human Genetics Tuebingen
Classification: Likely benign. Last evaluated: 2026-05-01. Review status: criteria provided, single submitter. Criteria: CeGaT Center For Human Genetics Tuebingen Variant Classification Criteria Version 2. Collection method: clinical testing. Allele origin: germline. Affected: yes. Observed: 3 variant alleles.
Comment: TBX2: PM2:Supporting, BP4, BP7

PreventionGenetics, part of Exact Sciences
Classification: Likely benign for TBX2-related condition. Last evaluated: 2019-05-27. Review status: no assertion criteria provided. Collection method: clinical testing. Allele origin: germline. Not counted in ClinVar's aggregate classification.
Comment: This variant is classified as likely benign based on ACMG/AMP sequence variant interpretation guidelines (Richards et al. 2015 PMID: 25741868, with internal and published modifications).

NM_005994.4(TBX2):c.21G>C (p.Ala7=)

Gene: TBX2 (T-box transcription factor 2; plus strand). Cytogenetic location: 17q23.2.
Variant type: single nucleotide variant.
Coding change: c.21G>C on transcript NM_005994.4 (MANE Select); coding-DNA position 21, G replaced by C.
Protein change: p.Ala7=; no amino-acid change (alanine 7 retained).
Molecular consequence: synonymous variant.
Genome position (GRCh38, 1-based): chr17:61,400,197, G>C. VCF-style: chr17-61400197-G-C. GRCh37 (hg19) VCF-style: chr17-59477558-G-C.
Other names: c.21G>C (NM_005994.3).
Identifiers: ClinVar variation 2647997 (VCV002647997.25), dbSNP rs1219858842, ClinGen allele CA501147256.
Genomic context (GRCh38, chr17:61,400,197, plus strand): 5'-CCCCGGCCCCGGCCCCCGGGCGCCTGGGCCGGATGTCCCGATGAGAGAGCCGGCGCTGGC[G>C]GCCAGCGCCATGGCTTACCACCCGTTCCACGCGCCACGGCCCGCCGACTTCCCCATGTCC-3'
Protein context (NP_005985.3, residues 1-17): MREPAL[Ala7=]ASAMAYHPFH